The following is an entry in ClinVar:

ClinVar aggregate classification (germline): Uncertain significance. Review status: criteria provided, multiple submitters, no conflicts (2 of 4 stars). 2 submissions from 2 submitters: Uncertain significance (2). Last evaluated 2022-07-24.

Conditions:
Inborn genetic diseases. Identifiers: MedGen C0950123, MeSH D030342.

Allele frequency attached by ClinVar (database versions not stated): ExAC 0.00005; gnomAD exomes 0.00005; TOPMed 0.00020; gnomAD 0.00021 and 0.00024; ESP Exome Variant Server 0.00023.
gnomAD v4.1: 66 of 1,613,124 alleles (0.0041%); highest among the groups gnomAD compares: African/African-American, 0.075%; no homozygotes.

Submissions (3):

Ambry Genetics
Classification: Uncertain significance for Inborn genetic diseases. Last evaluated: 2022-07-24. Review status: criteria provided, single submitter. Criteria: Ambry Variant Classification Scheme 2023. Collection method: clinical testing. Allele origin: germline.
Comment: The c.738-3C>T intronic alteration consists of a C to T substitution 3 nucleotides before coding exon 8 in the TBCE gene. Based on insufficient or conflicting evidence, the clinical significance of this alteration remains unclear.

Labcorp Genetics (formerly Invitae), Labcorp
Classification: Uncertain significance. Last evaluated: 2021-10-03. Review status: criteria provided, single submitter. Criteria: Invitae Variant Classification Sherloc (09022015). Collection method: clinical testing. Allele origin: germline.
Comment: This sequence change falls in intron 8 of the TBCE gene. It does not directly change the encoded amino acid sequence of the TBCE protein. It affects a nucleotide within the consensus splice site of the intron. This variant is present in population databases (rs375709037, ExAC 0.06%). This variant has not been reported in the literature in individuals affected with TBCE-related conditions. Variants that disrupt the consensus splice site are a relatively common cause of aberrant splicing (PMID: 17576681, 9536098). Algorithms developed to predict the effect of sequence changes on RNA splicing suggest that this variant is not likely to affect RNA splicing. In summary, the available evidence is currently insufficient to determine the role of this variant in disease. Therefore, it has been classified as a Variant of Uncertain Significance.

Dr. Peter K. Rogan Lab, Western University
No classification provided (evidence only). Condition: Lung cancer. Review status: no classification provided. Collection method: in vitro. Allele origin: not applicable. Functional consequence: retained intron. Not counted in ClinVar's aggregate classification.

Literature cited by the submitters: PubMed 17576681 (cited by Labcorp Genetics (formerly Invitae), Labcorp); PubMed 9536098 (cited by Labcorp Genetics (formerly Invitae), Labcorp).

NM_003193.5(TBCE):c.738-3C>T

Gene: TBCE (tubulin folding cofactor E; plus strand). Cytogenetic location: 1q42.3.
Variant type: single nucleotide variant.
Coding change: c.738-3C>T on transcript NM_003193.5 (MANE Select); 3 bases into the intron before coding-DNA position 738, C replaced by T.
Molecular consequence: intron variant.
Genome position (GRCh38, 1-based): chr1:235,435,742, C>T. VCF-style: chr1-235435742-C-T. GRCh37 (hg19) VCF-style: chr1-235599057-C-T.
Other names: c.738-3C>T (NM_003193.3, NM_001079515.3); c.891-3C>T (NM_001287801.2); c.399-3C>T (NM_001287802.2).
Identifiers: ClinVar variation 1385107 (VCV001385107.5), dbSNP rs375709037, ClinGen allele CA1464202.
Genomic context (GRCh38, chr1:235,435,742, plus strand): 5'-GCTGTATCTTTGAAAACAATTAAGAGATAAATTCACGGTGAAAAAATTTTATTTTCCATA[C>T]AGGCCAACAGATGTTCTCCAGACAGTCAAGTTATTAGATCTTTCCTCTAATCAATTAATT-3'